The following is an entry in ClinVar:

ClinVar aggregate classification (germline): Uncertain significance (1 of 4 stars; one submission).

Conditions:
Citrullinemia. Identifiers: Orphanet 187, MedGen C0175683, MONDO:0015991.

Submission:

Labcorp Genetics (formerly Invitae), Labcorp
Classification: Uncertain significance for Citrullinemia. Last evaluated: 2019-06-15. Review status: criteria provided, single submitter. Criteria: Invitae Variant Classification Sherloc (09022015). Collection method: clinical testing. Allele origin: germline.
Comment: Algorithms developed to predict the effect of missense changes on protein structure and function (SIFT, PolyPhen-2, Align-GVGD) all suggest that this variant is likely to be tolerated, but these predictions have not been confirmed by published functional studies and their clinical significance is uncertain. In summary, the available evidence is currently insufficient to determine the role of this variant in disease. Therefore, it has been classified as a Variant of Uncertain Significance. This variant is not present in population databases (ExAC no frequency). This sequence change replaces glutamine with arginine at codon 357 of the ASS1 protein (p.Gln357Arg). The glutamine residue is weakly conserved and there is a small physicochemical difference between glutamine and arginine.

NM_054012.4(ASS1):c.1070A>G (p.Gln357Arg)

Gene: ASS1 (argininosuccinate synthase 1; plus strand). Cytogenetic location: 9q34.11.
Variant type: single nucleotide variant.
Coding change: c.1070A>G on transcript NM_054012.4 (MANE Select); coding-DNA position 1070, A replaced by G.
Protein change: p.Gln357Arg; replaces glutamine 357 with arginine.
Molecular consequence: missense variant.
Genome position (GRCh38, 1-based): chr9:130,494,966, A>G. VCF-style: chr9-130494966-A-G. GRCh37 (hg19) VCF-style: chr9-133370353-A-G.
Other names: c.1070A>G, p.Gln357Arg (NM_000050.4); short protein forms Q357R.
Identifiers: ClinVar variation 851859 (VCV000851859.10), dbSNP rs1846543789, ClinGen allele CA375232184.